The following is an entry in ClinVar:

NM_000422.3(KRT17):c.373C>A (p.Pro125Thr)

Gene: KRT17 (keratin 17; minus strand). Cytogenetic location: 17q21.2.
Variant type: single nucleotide variant.
Coding change: c.373C>A on transcript NM_000422.3 (MANE Select); coding-DNA position 373, C replaced by A.
Protein change: p.Pro125Thr; replaces proline 125 with threonine.
Molecular consequence: missense variant.
Genome position (GRCh38, 1-based): chr17:41,624,137, G>T on the plus strand (C>A on the coding strand, the complement: KRT17 is on the minus strand). VCF-style: chr17-41624137-G-T. GRCh37 (hg19) VCF-style: chr17-39780389-G-T.
Other names: short protein forms P125T.
Identifiers: ClinVar variation 1383730 (VCV001383730.8), dbSNP rs747955715, ClinGen allele CA8563783.

ClinVar aggregate classification (germline): Uncertain significance (1 of 4 stars; one submission).

Allele frequency attached by ClinVar (database versions not stated): ExAC 0.00001; gnomAD 0.00001; gnomAD exomes 0.00002; TOPMed 0.00002.
gnomAD v4.1: 11 of 1,612,018 alleles (0.00068%); highest among the groups gnomAD compares: Admixed American, 0.005%; no homozygotes.

Submission:

Labcorp Genetics (formerly Invitae), Labcorp
Classification: Uncertain significance. Last evaluated: 2021-07-18. Review status: criteria provided, single submitter. Criteria: Invitae Variant Classification Sherloc (09022015). Collection method: clinical testing. Allele origin: germline.
Comment: This sequence change replaces proline with threonine at codon 125 of the KRT17 protein (p.Pro125Thr). The proline residue is highly conserved and there is a small physicochemical difference between proline and threonine. This variant is present in population databases (rs747955715, ExAC 0.002%). This variant has not been reported in the literature in individuals affected with KRT17-related conditions. Algorithms developed to predict the effect of missense changes on protein structure and function are either unavailable or do not agree on the potential impact of this missense change (SIFT: "Deleterious"; PolyPhen-2: "Benign"; Align-GVGD: "Class C0"). In summary, the available evidence is currently insufficient to determine the role of this variant in disease. Therefore, it has been classified as a Variant of Uncertain Significance.